The following is an entry in ClinVar:

NM_000543.5(SMPD1):c.597del (p.Val200fs)

Gene: SMPD1 (sphingomyelin phosphodiesterase 1; plus strand). Cytogenetic location: 11p15.4.
Variant type: Deletion.
Coding change: c.597del on transcript NM_000543.5 (MANE Select); coding-DNA position 597, one base deleted (T; older notation c.597delT).
Protein change: p.Val200fs; shifts the reading frame from valine 200.
Molecular consequence: frameshift variant. On other transcripts: 5 prime UTR variant (1), non-coding transcript variant (1).
Genome position (GRCh38, 1-based): chr11:6,391,662, T deleted. VCF-style (leftmost placement, unchanged base first): chr11-6391661-CT-C. GRCh37 (hg19) VCF-style: chr11-6412891-CT-C.
Other names: c.594del, p.Val199fs (NM_001007593.3); c.597del, p.Val200fs (NM_001318087.2, NM_001365135.2); c.-365del (NM_001318088.2); short protein forms V199fs, V200fs.
Identifiers: ClinVar variation 2679035 (VCV002679035.6), dbSNP rs2493805239, ClinGen allele CA2695201071.
Genomic context (GRCh38, chr11:6,391,661, plus strand): 5'-CTTTGCCTACTGTGCCGAAGCCGCCCCCCAAACCCCCTAGCCCCCCAGCCCCAGGTGCCC[CT>C]GTCAGCCGCATCCTCTTCCTCACTGACCTGCACTGGGATCATGACTACCTGGAGGGCACG-3'

ClinVar aggregate classification (germline): Pathogenic/Likely pathogenic. Review status: criteria provided, multiple submitters, no conflicts (2 of 4 stars). 3 submissions from 3 submitters: Pathogenic (2); Likely pathogenic (1). Last evaluated 2024-12-18.

Conditions:
Niemann-Pick disease, type A. Also called: SPHINGOMYELIN LIPIDOSIS; SPHINGOMYELINASE DEFICIENCY; Infantile Neurovisceral ASMD (Niemann-Pick Disease Type A; NPD-A). Identifiers: Orphanet 77292, MedGen C0268242, MONDO:0009756, OMIM 257200. Disease mechanism: loss of function.
Niemann-Pick disease, type B. Also called: Chronic Visceral ASMD (Niemann-Pick Disease Type B; NPD-B). Identifiers: Orphanet 77293, MedGen C0268243, MONDO:0011871, OMIM 607616. Disease mechanism: loss of function.

Submissions (3):

3billion
Classification: Pathogenic for Niemann-Pick disease, type A. Last evaluated: 2024-12-18. Review status: criteria provided, single submitter. Criteria: ACMG Guidelines, 2015. Collection method: clinical testing. Allele origin: germline. Affected: yes.
Comment: The variant is not observed in the gnomAD v4.1.0 dataset. Predicted Consequence/Location: Frameshift: predicted to result in a loss or disruption of normal protein function through nonsense-mediated decay (NMD) or protein truncation. Multiple pathogenic variants are reported downstream of the variant. The variant has been reported at least twice as pathogenic without evidence for the classification (ClinVar ID: VCV002679035). Therefore, this variant is classified as Pathogenic according to the recommendation of ACMG/AMP guideline.

Baylor Genetics
Classification: Likely pathogenic for Niemann-Pick disease, type A. Last evaluated: 2024-02-06. Review status: criteria provided, single submitter. Criteria: ACMG Guidelines, 2015. Collection method: clinical testing. Allele origin: unknown.

Labcorp Genetics (formerly Invitae), Labcorp
Classification: Pathogenic for Niemann-Pick disease, type B; Niemann-Pick disease, type A. Last evaluated: 2023-02-11. Review status: criteria provided, single submitter. Criteria: Invitae Variant Classification Sherloc (09022015). Collection method: clinical testing. Allele origin: germline.
Comment: This sequence change creates a premature translational stop signal (p.Val200Serfs*57) in the SMPD1 gene. It is expected to result in an absent or disrupted protein product. Loss-of-function variants in SMPD1 are known to be pathogenic (PMID: 12369017, 15221801). This variant is not present in population databases (gnomAD no frequency). This variant has not been reported in the literature in individuals affected with SMPD1-related conditions. For these reasons, this variant has been classified as Pathogenic.

Literature cited by the submitters: PubMed 12369017 (cited by Labcorp Genetics (formerly Invitae), Labcorp); PubMed 15221801 (cited by Labcorp Genetics (formerly Invitae), Labcorp).